The following is an entry in ClinVar:

NM_000038.6(APC):c.1300G>T (p.Asp434Tyr)

Gene: APC (APC regulator of Wnt signaling pathway; plus strand). Cytogenetic location: 5q22.2.
Variant type: single nucleotide variant.
Coding change: c.1300G>T on transcript NM_000038.6 (MANE Select); coding-DNA position 1300, G replaced by T.
Protein change: p.Asp434Tyr; replaces aspartic acid 434 with tyrosine.
Molecular consequence: missense variant. On other transcripts: non-coding transcript variant (2).
Genome position (GRCh38, 1-based): chr5:112,819,332, G>T. VCF-style: chr5-112819332-G-T. GRCh37 (hg19) VCF-style: chr5-112155029-G-T.
Other names: c.1300G>T, p.Asp434Tyr (NM_001127510.3, NM_001354895.2, NM_001354896.2 and 4 more transcripts); c.1246G>T, p.Asp416Tyr (NM_001127511.3); c.1330G>T, p.Asp444Tyr (NM_001354897.2, NM_001407446.1); c.1225G>T, p.Asp409Tyr (NM_001354898.2, NM_001407451.1); c.1216G>T, p.Asp406Tyr (NM_001354899.2, NM_001407452.1); c.1123G>T, p.Asp375Tyr (NM_001354900.2, NM_001354901.2, NM_001407453.1); c.1027G>T, p.Asp343Tyr (NM_001354902.2); c.997G>T, p.Asp333Tyr (NM_001354903.2, NM_001407454.1, NM_001407455.1 and 5 more transcripts); and 6 more; short protein forms D274Y, D333Y, D416Y, D308Y, D434Y, D151Y, D305Y, D343Y.
Identifiers: ClinVar variation 3676804 (VCV003676804.2).

ClinVar aggregate classification (germline): Uncertain significance. Review status: criteria provided, multiple submitters, no conflicts (2 of 4 stars). 2 submissions from 2 submitters: Uncertain significance (2). Last evaluated 2025-12-03.

Conditions:
Familial adenomatous polyposis 1 (FAP1). Also called: POLYPOSIS, ADENOMATOUS INTESTINAL; FAMILIAL ADENOMATOUS POLYPOSIS 1, ATTENUATED. Identifiers: MedGen C2713442, MONDO:0021056, OMIM 175100. Disease mechanism: loss of function.
Hereditary cancer-predisposing syndrome. Also called: Neoplastic Syndromes, Hereditary; Tumor predisposition; Hereditary Cancer Syndrome; Hereditary neoplastic syndrome. Identifiers: Orphanet 140162, MedGen C0027672, MeSH D009386, MONDO:0015356.

gnomAD v4.1: 2 of 1,613,988 alleles (0.00012%); highest among the groups gnomAD compares: Admixed American, 0.0017%; no homozygotes.

Submissions (2):

Ambry Genetics
Classification: Uncertain significance for Hereditary cancer-predisposing syndrome. Last evaluated: 2025-12-03. Review status: criteria provided, single submitter. Criteria: Ambry Variant Classification Scheme 2023. Collection method: clinical testing. Allele origin: germline.
Comment: The p.D434Y variant (also known as c.1300G>T), located in coding exon 9 of the APC gene, results from a G to T substitution at nucleotide position 1300. The aspartic acid at codon 434 is replaced by tyrosine, an amino acid with highly dissimilar properties. This amino acid position is conserved. In addition, in silico predictors for this gene do not accurately predict pathogenicity. Based on the available evidence, the clinical significance of this variant remains unclear.

Labcorp Genetics (formerly Invitae), Labcorp
Classification: Uncertain significance for Familial adenomatous polyposis 1. Last evaluated: 2024-08-28. Review status: criteria provided, single submitter. Criteria: Invitae Variant Classification Sherloc (09022015). Collection method: clinical testing. Allele origin: germline.
Comment: This sequence change replaces aspartic acid, which is acidic and polar, with tyrosine, which is neutral and polar, at codon 434 of the APC protein (p.Asp434Tyr). This variant is present in population databases (rs769365014, gnomAD 0.003%). This variant has not been reported in the literature in individuals affected with APC-related conditions. Invitae Evidence Modeling of protein sequence and biophysical properties (such as structural, functional, and spatial information, amino acid conservation, physicochemical variation, residue mobility, and thermodynamic stability) indicates that this missense variant is not expected to disrupt APC protein function with a negative predictive value of 95%. In summary, the available evidence is currently insufficient to determine the role of this variant in disease. Therefore, it has been classified as a Variant of Uncertain Significance.